The following is an entry in ClinVar:

GRCh38/hg38 17p11.2(chr17:16692462-20390725)x3

Genes: MAPK7 (mitogen-activated protein kinase 7; plus strand), MED9 (mediator complex subunit 9; plus strand), MFAP4 (microfibril associated protein 4; minus strand), MIEF2 (mitochondrial elongation factor 2; plus strand), MIR1180 (microRNA 1180; minus strand) and 245 more. Cytogenetic location: 17p11.2.
Variant type: copy number gain.
Change: copy number 3 (three copies instead of two) of chr17:16,692,462-20,390,725 (3.70 Mb, GRCh38 coordinates, 1-based), cytogenetic band 17p11.2.
Identifiers: ClinVar variation 58113 (VCV000058113.2).

ClinVar aggregate classification (germline): Pathogenic (1 of 4 stars; one submission).

Submission:

ISCA Site 6
Classification: Pathogenic. Last evaluated: 2011-08-12. Review status: criteria provided, single submitter. Criteria: Kaminsky et al. (Genet Med. 2011). Collection method: clinical testing. Allele origin: de novo. Affected: yes. Observed: 1 variant allele.
Comment: Copy number variation identified through the course of routine clinical cytogenomic testing in postnatal populations. Clinical assertions have been curated as described in Kaminsky et al. 2011.